The following is an entry in ClinVar:

ClinVar aggregate classification (germline): Pathogenic (1 of 4 stars; one submission).

Conditions:
Early-infantile DEE. Also called: Early infantile epileptic encephalopathy; Early infantile epileptic encephalopathy with suppression bursts; Ohtahara syndrome. Identifiers: Orphanet 1934, MedGen C0393706, MONDO:0800491.

Submission:

Labcorp Genetics (formerly Invitae), Labcorp
Classification: Pathogenic for Early-infantile DEE. Last evaluated: 2020-01-13. Review status: criteria provided, single submitter. Criteria: Invitae Variant Classification Sherloc (09022015). Collection method: clinical testing. Allele origin: germline.
Comment: For these reasons, this variant has been classified as Pathogenic. This variant disrupts the C-terminus of the KCNQ2 protein. Other variant(s) that disrupt this region (p.Glu836*) have been observed in individuals with KCNQ2-related conditions (PMID: 29215089). This suggests that this may be a clinically significant region of the protein. This variant has been observed in individual(s) with clinical features of KCNQ2-related conditions (Invitae). In at least one individual the variant was observed to be de novo. This variant is not present in population databases (ExAC no frequency). This sequence change results in a premature translational stop signal in the KCNQ2 gene (p.Lys829Serfs*35). While this is not anticipated to result in nonsense mediated decay, it is expected to disrupt the last 44 amino acids of the KCNQ2 protein.

Literature cited by the submitters: PubMed 29215089.

NM_172107.4(KCNQ2):c.2486_2487del (p.Lys829fs)

Gene: KCNQ2 (potassium voltage-gated channel subfamily Q member 2; minus strand). Cytogenetic location: 20q13.33.
Variant type: Deletion.
Coding change: c.2486_2487del on transcript NM_172107.4 (MANE Select); coding-DNA positions 2486 to 2487, 2 bases deleted (AA; older notation c.2486_2487delAA).
Protein change: p.Lys829fs; shifts the reading frame from lysine 829.
Molecular consequence: frameshift variant.
Genome position (GRCh38, 1-based): chr20:63,406,776-63,406,777, TT deleted on the plus strand (AA on the coding strand, the reverse complement: KCNQ2 is on the minus strand); deleting any 2 consecutive bases within chr20:63,406,776-63,406,778 gives the same sequence; the c. name uses the placement nearest the transcript's 3' end. VCF-style (leftmost placement, unchanged base first): chr20-63406775-CTT-C. GRCh37 (hg19) VCF-style: chr20-62038128-CTT-C.
Other names: c.2402_2403del, p.Lys801fs (NM_004518.6); c.2432_2433del, p.Lys811fs (NM_172106.3); c.2393_2394del, p.Lys798fs (NM_172108.5); short protein forms K801fs, K811fs, K829fs, K798fs.
Identifiers: ClinVar variation 858586 (VCV000858586.10), dbSNP rs2079949302, ClinGen allele CA916083758.